The following is an entry in ClinVar:

ClinVar aggregate classification (germline): Pathogenic (1 of 4 stars; one submission).

Conditions:
Developmental and epileptic encephalopathy, 54. Also called: Epileptic encephalopathy, early infantile, 54; HNRNPU-Related Neurodevelopmental Disorder. Identifiers: MedGen C4479319, MONDO:0033363, OMIM 617391.

Submission:

Labcorp Genetics (formerly Invitae), Labcorp
Classification: Pathogenic for Developmental and epileptic encephalopathy, 54. Last evaluated: 2017-09-30. Review status: criteria provided, single submitter. Criteria: Invitae Variant Classification Sherloc (09022015). Collection method: clinical testing. Allele origin: germline.
Comment: This sequence change creates a premature translational stop signal (p.Gly380Trpfs*13) in the HNRNPU gene. It is expected to result in an absent or disrupted protein product. This variant is not present in population databases (ExAC no frequency). This variant has not been reported in the literature in individuals with HNRNPU-related disease. Loss-of-function variants in HNRNPU are known to be pathogenic (PMID: 22678713, 28283832). For these reasons, this variant has been classified as Pathogenic.

Literature cited by the submitters: PubMed 22678713; PubMed 28283832.

NM_031844.3(HNRNPU):c.1137dup (p.Gly380fs)

Gene: HNRNPU (heterogeneous nuclear ribonucleoprotein U; minus strand). Cytogenetic location: 1q44.
Variant type: Duplication.
Coding change: c.1137dup on transcript NM_031844.3 (MANE Select); coding-DNA position 1137, one base duplicated (T; older notation c.1137dupT).
Protein change: p.Gly380fs; shifts the reading frame from glycine 380.
Molecular consequence: frameshift variant.
Genome position (GRCh38, 1-based): chr1:244,858,822, A duplicated on the plus strand (T on the coding strand, the reverse complement: HNRNPU is on the minus strand). VCF-style (leftmost placement, unchanged base first): chr1-244858821-C-CA. GRCh37 (hg19) VCF-style: chr1-245022123-C-CA.
Other names: c.1080dup, p.Gly361fs (NM_004501.3); c.1137dupT (NM_031844.2); short protein forms G361fs, G380fs.
Identifiers: ClinVar variation 532559 (VCV000532559.7), dbSNP rs1553282754, ClinGen allele CA658795661.